The following is an entry in ClinVar:

ClinVar aggregate classification (germline): Likely pathogenic (1 of 4 stars; one submission).

Conditions:
Autosomal recessive limb-girdle muscular dystrophy type 2J (LGMDR10). Also called: Limb-girdle muscular dystrophy, type 2J; MUSCULAR DYSTROPHY, LIMB-GIRDLE, AUTOSOMAL RECESSIVE 10. Identifiers: Orphanet 140922, MedGen C1837342, MONDO:0012127, OMIM 608807.
Dilated cardiomyopathy 1G (CMD1G). Identifiers: Orphanet 154, MedGen C1858763, MONDO:0011400, OMIM 604145.

Submission:

Labcorp Genetics (formerly Invitae), Labcorp
Classification: Likely pathogenic for Dilated cardiomyopathy 1G; Autosomal recessive limb-girdle muscular dystrophy type 2J. Last evaluated: 2019-12-19. Review status: criteria provided, single submitter. Criteria: Invitae Variant Classification Sherloc (09022015). Collection method: clinical testing. Allele origin: germline.
Comment: This sequence change results in a premature translational stop signal in the TTN gene (p.Asp28478Metfs*11). While this is not anticipated to result in nonsense mediated decay, it is expected to create a truncated TTN protein. This variant is not present in population databases (ExAC no frequency). In summary, the currently available evidence indicates that the variant is pathogenic, but additional data are needed to prove that conclusively. Therefore, this variant has been classified as Likely Pathogenic. This variant is located in the A band of TTN (PMID: 25589632). Truncating variants in this region are significantly overrepresented in patients affected with dilated cardiomyopathy (PMID: 25589632). Truncating variants in this region have also been reported in individuals affected with autosomal recessive centronuclear myopathy (PMID: 23975875). This variant has not been reported in the literature in individuals with TTN-related conditions.

Literature cited by the submitters: PubMed 25589632; PubMed 23975875.

NM_001267550.2(TTN):c.85431del (p.Asp28478fs)

Genes: TTN (titin; minus strand), TTN-AS1 (TTN antisense RNA 1; plus strand). Cytogenetic location: 2q31.2.
Variant type: Deletion.
Coding change: c.85431del on transcript NM_001267550.2 (MANE Select); coding-DNA position 85431, one base deleted (A; older notation c.85431delA).
Protein change: p.Asp28478fs; shifts the reading frame from aspartic acid 28478.
Molecular consequence: frameshift variant.
Genome position (GRCh38, 1-based): chr2:178,560,701, T deleted on the plus strand (A on the coding strand, the reverse complement: TTN is on the minus strand); the first of 2 consecutive T bases (chr2:178,560,701-178,560,702); deleting either gives the same sequence. VCF-style (leftmost placement, unchanged base first): chr2-178560700-CT-C. GRCh37 (hg19) VCF-style: chr2-179425427-CT-C.
Other names: c.80508del, p.Asp26837fs (NM_001256850.1); c.58236del, p.Asp19413fs (NM_003319.4); c.77727del, p.Asp25910fs (NM_133378.4); c.58611del, p.Asp19538fs (NM_133432.3); c.58812del, p.Asp19605fs (NM_133437.4); short protein forms D19605fs, D28478fs, D19538fs, D26837fs, D19413fs, D25910fs.
Identifiers: ClinVar variation 842313 (VCV000842313.12), dbSNP rs1703325248, ClinGen allele CA916081337.